The following is an entry in ClinVar:

ClinVar aggregate classification (germline): Uncertain significance (1 of 4 stars; one submission).

Submission:

Labcorp Genetics (formerly Invitae), Labcorp
Classification: Uncertain significance. Last evaluated: 2022-05-27. Review status: criteria provided, single submitter. Criteria: Invitae Variant Classification Sherloc (09022015). Collection method: clinical testing. Allele origin: germline.
Comment: In summary, the available evidence is currently insufficient to determine the role of this variant in disease. Therefore, it has been classified as a Variant of Uncertain Significance. This variant has not been reported in the literature in individuals affected with RNASET2-related conditions. This variant results in a copy number gain of the genomic region encompassing exon(s) 1 of the RNASET2 gene. This region includes the initiator codon of the gene. This copy number gain extends beyond the assayed region for this gene and therefore may encompass additional genes. As the precise location of this event is unknown, it may be in tandem or it may be located elsewhere in the genome.

NC_000006.11:g.(?_167369565)_(167369670_?)dup

Gene: RNASET2 (ribonuclease T2; minus strand). Cytogenetic location: 6q27.
Variant type: Duplication.
Identifiers: ClinVar variation 2424750 (VCV002424750.4).